The following is an entry in ClinVar:

ClinVar aggregate classification (germline): Pathogenic (1 of 4 stars; one submission).

Submission:

Labcorp Genetics (formerly Invitae), Labcorp
Classification: Pathogenic. Last evaluated: 2022-01-15. Review status: criteria provided, single submitter. Criteria: Invitae Variant Classification Sherloc (09022015). Collection method: clinical testing. Allele origin: germline.
Comment: This sequence change creates a premature translational stop signal (p.Gln375*) in the RTTN gene. It is expected to result in an absent or disrupted protein product. Loss-of-function variants in RTTN are known to be pathogenic (PMID: 26608784, 26846091). This variant is not present in population databases (gnomAD no frequency). For these reasons, this variant has been classified as Pathogenic. This variant has not been reported in the literature in individuals affected with RTTN-related conditions.

Literature cited by the submitters: PubMed 26608784; PubMed 26846091.

NM_173630.4(RTTN):c.1123C>T (p.Gln375Ter)

Gene: RTTN (rotatin; minus strand). Cytogenetic location: 18q22.2.
Variant type: single nucleotide variant.
Coding change: c.1123C>T on transcript NM_173630.4 (MANE Select); coding-DNA position 1123, C replaced by T.
Protein change: p.Gln375Ter; replaces glutamine 375 with a stop codon.
Molecular consequence: nonsense. On other transcripts: 5 prime UTR variant (1).
Genome position (GRCh38, 1-based): chr18:70,190,604, G>A on the plus strand (C>T on the coding strand, the complement: RTTN is on the minus strand). VCF-style: chr18-70190604-G-A. GRCh37 (hg19) VCF-style: chr18-67857840-G-A.
Other names: c.-1431C>T (NM_001318520.2); short protein forms Q375*.
Identifiers: ClinVar variation 1350368 (VCV001350368.6), dbSNP rs2146092980, ClinGen allele CA402699091.